The following is an entry in ClinVar:

NM_014639.4(SKIC3):c.2758A>G (p.Thr920Ala)

Gene: SKIC3 (SKI3 subunit of superkiller complex; minus strand). Cytogenetic location: 5q15.
Variant type: single nucleotide variant.
Coding change: c.2758A>G on transcript NM_014639.4 (MANE Select); coding-DNA position 2758, A replaced by G.
Protein change: p.Thr920Ala; replaces threonine 920 with alanine.
Molecular consequence: missense variant.
Genome position (GRCh38, 1-based): chr5:95,513,591, T>C on the plus strand (A>G on the coding strand, the complement: SKIC3 is on the minus strand). VCF-style: chr5-95513591-T-C. GRCh37 (hg19) VCF-style: chr5-94849295-T-C.
Other names: short protein forms T920A.
Identifiers: ClinVar variation 1482265 (VCV001482265.8), dbSNP rs369564010, ClinGen allele CA122849878.

ClinVar aggregate classification (germline): Uncertain significance (1 of 4 stars; one submission).

Allele frequency attached by ClinVar (database versions not stated): gnomAD exomes below 0.00001; TOPMed 0.00002; ESP Exome Variant Server 0.00008.
gnomAD v4.1: 5 of 1,613,772 alleles (0.00031%); highest among the groups gnomAD compares: African/African-American, 0.004%; no homozygotes.

Submission:

Labcorp Genetics (formerly Invitae), Labcorp
Classification: Uncertain significance. Last evaluated: 2023-12-07. Review status: criteria provided, single submitter. Criteria: Invitae Variant Classification Sherloc (09022015). Collection method: clinical testing. Allele origin: germline.
Comment: This sequence change replaces threonine, which is neutral and polar, with alanine, which is neutral and non-polar, at codon 920 of the TTC37 protein (p.Thr920Ala). This variant is present in population databases (rs369564010, gnomAD 0.007%). This variant has not been reported in the literature in individuals affected with TTC37-related conditions. ClinVar contains an entry for this variant (Variation ID: 1482265). An algorithm developed to predict the effect of missense changes on protein structure and function (PolyPhen-2) suggests that this variant is likely to be disruptive. In summary, the available evidence is currently insufficient to determine the role of this variant in disease. Therefore, it has been classified as a Variant of Uncertain Significance.